The following is an entry in ClinVar:

NM_020297.4(ABCC9):c.4315+11T>C

Genes: ABCC9 (ATP binding cassette subfamily C member 9; minus strand), KCNJ8-AS1 (KCNJ8 antisense RNA 1; plus strand). Cytogenetic location: 12p12.1.
Variant type: single nucleotide variant.
Coding change: c.4315+11T>C on transcript NM_020297.4 (MANE Select); 11 bases into the intron after coding-DNA position 4315, T replaced by C.
Molecular consequence: intron variant.
Genome position (GRCh38, 1-based): chr12:21,809,841, A>G on the plus strand (T>C on the coding strand, the complement: ABCC9 is on the minus strand). VCF-style: chr12-21809841-A-G. GRCh37 (hg19) VCF-style: chr12-21962775-A-G.
Other names: c.3448+11T>C (NM_001377274.1); c.4315+11T>C (NM_005691.4, NM_001377273.1).
Identifiers: ClinVar variation 506550 (VCV000506550.8), dbSNP rs781522912, ClinGen allele CA6480892.

ClinVar aggregate classification (germline): Benign/Likely benign. Review status: criteria provided, multiple submitters, no conflicts (2 of 4 stars). 2 submissions from 2 submitters: Benign (1); Likely benign (1). Last evaluated 2025-08-30.

Conditions:
Dilated cardiomyopathy 1O (CMD1O). Also called: CARDIOMYOPATHY, DILATED, WITH VENTRICULAR TACHYCARDIA. Identifiers: Orphanet 154, MedGen C1837839, MONDO:0012062, OMIM 608569.

Allele frequency attached by ClinVar (database versions not stated): ExAC 0.00001; gnomAD exomes 0.00001; TOPMed 0.00004; gnomAD 0.00007 and 0.00009.
gnomAD v4.1: 18 of 1,511,912 alleles (0.0012%); highest among the groups gnomAD compares: African/African-American, 0.023%; no homozygotes.

Submissions (2):

Labcorp Genetics (formerly Invitae), Labcorp
Classification: Likely benign for Dilated cardiomyopathy 1O. Last evaluated: 2025-08-30. Review status: criteria provided, single submitter. Criteria: Invitae Variant Classification Sherloc (09022015). Collection method: clinical testing. Allele origin: germline.

GeneDx
Classification: Benign. Last evaluated: 2017-06-05. Review status: criteria provided, single submitter. Criteria: GeneDx Variant Classification (06012015). Collection method: clinical testing. Allele origin: germline. Affected: yes.
Comment: This variant is considered likely benign or benign based on one or more of the following criteria: it is a conservative change, it occurs at a poorly conserved position in the protein, it is predicted to be benign by multiple in silico algorithms, and/or has population frequency not consistent with disease.